The following is an entry in ClinVar:

ClinVar aggregate classification (germline): Uncertain significance (1 of 4 stars; one submission).

Conditions:
PLXNA1-related disorder. Also called: PLXNA1-related condition.

gnomAD v4.1: 18 of 1,612,678 alleles (0.0011%); highest among the groups gnomAD compares: Non-Finnish European, 0.0015%; no homozygotes.

Submission:

PreventionGenetics, part of Exact Sciences
Classification: Uncertain significance for PLXNA1-related condition. Last evaluated: 2024-11-26. Review status: criteria provided, single submitter. Criteria: ACMG Guidelines, 2015. Collection method: clinical testing. Allele origin: germline.
Comment: The PLXNA1 c.2042A>G variant is predicted to result in the amino acid substitution p.Lys681Arg. To our knowledge, this variant has not been reported in the literature. This variant is reported in 0.0018% of alleles in individuals of European (Non-Finnish) descent in gnomAD. At this time, the clinical significance of this variant is uncertain due to the absence of conclusive functional and genetic evidence.

NM_032242.4(PLXNA1):c.2042A>G (p.Lys681Arg)

Gene: PLXNA1 (plexin A1; plus strand). Cytogenetic location: 3q21.3.
Variant type: single nucleotide variant.
Coding change: c.2042A>G on transcript NM_032242.4 (MANE Select); coding-DNA position 2042, A replaced by G.
Protein change: p.Lys681Arg; replaces lysine 681 with arginine.
Molecular consequence: missense variant.
Genome position (GRCh38, 1-based): chr3:127,007,843, A>G. VCF-style: chr3-127007843-A-G. GRCh37 (hg19) VCF-style: chr3-126726686-A-G.
Other names: short protein forms K681R.
Identifiers: ClinVar variation 4985778 (VCV004985778.1).
Genomic context (GRCh38, chr3:127,007,843, plus strand): 5'-CACCCTCTCCCTGCAGCTGCCTGTCCTGTGTCAACGGCTCCTTTCCCTGCCACTGGTGCA[A>G]ATACCGCCACGTGTGCACACACAACGTGGCTGACTGCGCCTTCCTGGAGGGCCGTGTCAA-3'
Protein context (NP_115618.3, residues 671-691): VNGSFPCHWC[Lys681Arg]YRHVCTHNVA